The following is an entry in ClinVar:

NM_004329.3(BMPR1A):c.1533A>C (p.Arg511Ser)

Gene: BMPR1A (bone morphogenetic protein receptor type 1A; plus strand). Cytogenetic location: 10q23.2.
Variant type: single nucleotide variant.
Coding change: c.1533A>C on transcript NM_004329.3 (MANE Select); coding-DNA position 1533, A replaced by C.
Protein change: p.Arg511Ser; replaces arginine 511 with serine.
Molecular consequence: missense variant.
Genome position (GRCh38, 1-based): chr10:86,923,653, A>C. VCF-style: chr10-86923653-A-C. GRCh37 (hg19) VCF-style: chr10-88683410-A-C.
Other names: p.R511S:AGA>AGC; short protein forms R511S.
Identifiers: ClinVar variation 182071 (VCV000182071.10), dbSNP rs730881437, ClinGen allele CA298526.

ClinVar aggregate classification (germline): Uncertain significance. Review status: criteria provided, multiple submitters, no conflicts (2 of 4 stars). 2 submissions from 2 submitters: Uncertain significance (2). Last evaluated 2021-03-02.

Conditions:
Juvenile polyposis syndrome (JPS). Identifiers: Orphanet 2929, MedGen C0345893, MONDO:0017380, OMIM 174900.

Submissions (2):

Labcorp Genetics (formerly Invitae), Labcorp
Classification: Uncertain significance for Juvenile polyposis syndrome. Last evaluated: 2021-03-02. Review status: criteria provided, single submitter. Criteria: Invitae Variant Classification Sherloc (09022015). Collection method: clinical testing. Allele origin: germline.
Comment: This sequence change replaces arginine with serine at codon 511 of the BMPR1A protein (p.Arg511Ser). The arginine residue is highly conserved and there is a moderate physicochemical difference between arginine and serine. This variant is not present in population databases (ExAC no frequency). Advanced modeling of protein sequence and biophysical properties (such as structural, functional, and spatial information, amino acid conservation, physicochemical variation, residue mobility, and thermodynamic stability) performed at Invitae indicates that this missense variant is expected to disrupt BMPR1A protein function. In summary, the available evidence is currently insufficient to determine the role of this variant in disease. Therefore, it has been classified as a Variant of Uncertain Significance. This variant has been observed in individual(s) with clinical features of juvenile polyposis syndrome (Invitae). ClinVar contains an entry for this variant (Variation ID: 182071).

GeneDx
Classification: Uncertain significance. Last evaluated: 2014-06-09. Review status: criteria provided, single submitter. Criteria: GeneDx Variant Classification (06012015). Collection method: clinical testing. Allele origin: germline. Affected: yes.
Comment: This variant is denoted BMPR1A c.1533A>C at the cDNA level and p.Arg511Ser (R511S) at the protein level, and results in the change of an Arginine to a Serine (AGA>AGC). This variant has not, to our knowledge, been published in the literature as pathogenic or benign. BMPR1A Arg511Ser was not observed in approximately 6,500 individuals of European and African American ancestry in the NHLBI Exome Sequencing Project, suggesting it is not a common benign variant in these populations. Since Arginine and Serine differ in some properties, this is considered a semi-conservative amino acid substitution. BMPR1A Arg511Ser occurs at a position that is well conserved across species and is located in the cytoplasmic topological domain and protein kinase domain (UniProt). In addition, in silico analyses predict that this variant is probably damaging to protein structure and function. Based on currently available information, it is unclear whether BMPR1A Arg511Ser is pathogenic or benign. We consider it to be a variant of uncertain significance.